The following is an entry in ClinVar:

ClinVar aggregate classification (germline): Uncertain significance. Review status: criteria provided, multiple submitters, no conflicts (2 of 4 stars). 2 submissions from 2 submitters: Uncertain significance (2). Last evaluated 2024-08-15.

Conditions:
Inborn genetic diseases. Identifiers: MedGen C0950123, MeSH D030342.

gnomAD v4.1: 39 of 1,601,040 alleles (0.0024%); highest among the groups gnomAD compares: Admixed American, 0.032%; no homozygotes.

Submissions (2):

Ambry Genetics
Classification: Uncertain significance for Inborn genetic diseases. Last evaluated: 2024-08-15. Review status: criteria provided, single submitter. Criteria: Ambry Variant Classification Scheme 2023. Collection method: clinical testing. Allele origin: germline.

GeneDx
Classification: Uncertain significance. Last evaluated: 2024-01-16. Review status: criteria provided, single submitter. Criteria: GeneDx Variant Classification Process June 2021. Collection method: clinical testing. Allele origin: germline. Affected: yes.
Comment: In silico analysis supports that this missense variant does not alter protein structure/function; Has not been previously published as pathogenic or benign to our knowledge

NM_018051.5(DYNC2I1):c.856G>A (p.Glu286Lys)

Gene: DYNC2I1 (dynein 2 intermediate chain 1; plus strand). Cytogenetic location: 7q36.3.
Variant type: single nucleotide variant.
Coding change: c.856G>A on transcript NM_018051.5 (MANE Select); coding-DNA position 856, G replaced by A.
Protein change: p.Glu286Lys; replaces glutamic acid 286 with lysine.
Molecular consequence: missense variant. On other transcripts: 5 prime UTR variant (3).
Genome position (GRCh38, 1-based): chr7:158,879,966, G>A. VCF-style: chr7-158879966-G-A. GRCh37 (hg19) VCF-style: chr7-158672657-G-A.
Other names: c.718G>A, p.Glu240Lys (NM_001350914.2); c.339G>A, p.Met113Ile (NM_001350915.2); c.-503G>A (NM_001350916.2); c.-511G>A (NM_001350917.2); c.-630G>A (NM_001350918.2); short protein forms E240K, E286K, M113I.
Identifiers: ClinVar variation 3367874 (VCV003367874.2).